The following is an entry in ClinVar:

NM_000038.6(APC):c.7997T>G (p.Ile2666Ser)

Gene: APC (APC regulator of WNT signaling pathway; plus strand). Cytogenetic location: 5q22.2.
Variant type: single nucleotide variant.
Coding change: c.7997T>G on transcript NM_000038.6 (MANE Select); coding-DNA position 7997, T replaced by G.
Protein change: p.Ile2666Ser; replaces isoleucine 2666 with serine.
Molecular consequence: missense variant. On other transcripts: non-coding transcript variant (2).
Genome position (GRCh38, 1-based): chr5:112,843,591, T>G. VCF-style: chr5-112843591-T-G. GRCh37 (hg19) VCF-style: chr5-112179288-T-G.
Other names: c.7997T>G, p.Ile2666Ser (NM_001127510.3, NM_001354895.2, NM_001407450.1); c.7943T>G, p.Ile2648Ser (NM_001127511.3); c.8051T>G, p.Ile2684Ser (NM_001354896.2, NM_001407447.1, NM_001407448.1 and 1 more transcripts); c.8027T>G, p.Ile2676Ser (NM_001354897.2); c.7922T>G, p.Ile2641Ser (NM_001354898.2); c.7913T>G, p.Ile2638Ser (NM_001354899.2); c.7874T>G, p.Ile2625Ser (NM_001354900.2); c.7820T>G, p.Ile2607Ser (NM_001354901.2, NM_001407453.1); and 11 more; short protein forms I2282S, I2383S, I2506S, I2537S, I2540S, I2565S, I2575S, I2583S.
Identifiers: ClinVar variation 3075238 (VCV003075238.1), dbSNP rs2149997642, ClinGen allele CA16038704.

ClinVar aggregate classification (germline): Uncertain significance (1 of 4 stars; one submission).

Conditions:
Classic or attenuated familial adenomatous polyposis. Identifiers: MedGen CN372698, MONDO:0021057.

Submission:

All of Us Research Program, National Institutes of Health
Classification: Uncertain significance for Classic or attenuated familial adenomatous polyposis. Last evaluated: 2024-01-03. Review status: criteria provided, single submitter. Criteria: ACMG Guidelines, 2015. Collection method: clinical testing. Allele origin: germline. Inheritance: Autosomal dominant inheritance. Observed: 1 variant allele, 1 heterozygote.
Comment: This missense variant replaces isoleucine with serine at codon 2666 of the APC protein. Computational prediction suggests that this variant may not impact protein structure and function (internally defined REVEL score threshold <= 0.5, PMID: 27666373). To our knowledge, functional studies have not been reported for this variant. This variant has not been reported in individuals affected with APC-related disorders in the literature. This variant has not been identified in the general population by the Genome Aggregation Database (gnomAD). The available evidence is insufficient to determine the role of this variant in disease conclusively. Therefore, this variant is classified as a Variant of Uncertain Significance.

This study involves interpretation of variants in research participants for the purpose of population health screening. Participant phenotype was not available at the time of variant classification. Additional details can be found in publication PMID: 35346344, PMCID: PMC8962531